The following is an entry in ClinVar:

ClinVar aggregate classification (germline): Pathogenic (1 of 4 stars; one submission).

Conditions:
Meckel syndrome, type 11 (MKS11). Identifiers: Orphanet 564, MedGen C3809352, MONDO:0014164, OMIM 615397.
Joubert syndrome 20 (JBTS20). Identifiers: Orphanet 475, MedGen C3554235, MONDO:0013994, OMIM 614970.

Submission:

Labcorp Genetics (formerly Invitae), Labcorp
Classification: Pathogenic for Joubert syndrome 20; Meckel syndrome, type 11. Last evaluated: 2022-07-06. Review status: criteria provided, single submitter. Criteria: Invitae Variant Classification Sherloc (09022015). Collection method: clinical testing. Allele origin: germline.
Comment: For these reasons, this variant has been classified as Pathogenic. This variant disrupts a region of the TMEM231 protein in which other variant(s) (p.Ile285Serfs*13) have been determined to be pathogenic (PMID: 25869670). This suggests that this is a clinically significant region of the protein, and that variants that disrupt it are likely to be disease-causing. This variant has not been reported in the literature in individuals affected with TMEM231-related conditions. This variant is a gross deletion of the genomic region encompassing exon(s) 5-6 of the TMEM231 gene, which includes the termination codon. This deletion extends beyond the assayed region for this gene and therefore may encompass additional genes. While this deletion is not anticipated to lead to nonsense mediated decay, it is expected to alter mRNA translation or result in a truncated protein product.

Literature cited by the submitters: PubMed 25869670.

NC_000016.9:g.(?_75573892)_(75575373_?)del

Gene: TMEM231 (transmembrane protein 231; minus strand). Cytogenetic location: 16q23.1.
Variant type: Deletion.
Identifiers: ClinVar variation 1418103 (VCV001418103.7).